The following is an entry in ClinVar:

ClinVar aggregate classification (germline): Uncertain significance (1 of 4 stars; one submission).

Conditions:
Hereditary cancer-predisposing syndrome. Also called: Tumor predisposition; Hereditary neoplastic syndrome; Hereditary Cancer Syndrome; Neoplastic Syndromes, Hereditary. Identifiers: Orphanet 140162, MedGen C0027672, MeSH D009386, MONDO:0015356.

Submission:

Ambry Genetics
Classification: Uncertain significance for Hereditary cancer-predisposing syndrome. Last evaluated: 2023-02-20. Review status: criteria provided, single submitter. Criteria: Ambry Variant Classification Scheme 2023. Collection method: clinical testing. Allele origin: germline.
Comment: The p.S920C variant (also known as c.2759C>G), located in coding exon 20 of the MSH3 gene, results from a C to G substitution at nucleotide position 2759. The serine at codon 920 is replaced by cysteine, an amino acid with dissimilar properties. This amino acid position is conserved. In addition, this alteration is predicted to be deleterious by in silico analysis. Since supporting evidence is limited at this time, the clinical significance of this alteration remains unclear.

NM_002439.5(MSH3):c.2759C>G (p.Ser920Cys)

Gene: MSH3 (mutS homolog 3; plus strand). Cytogenetic location: 5q14.1.
Variant type: single nucleotide variant.
Coding change: c.2759C>G on transcript NM_002439.5 (MANE Select); coding-DNA position 2759, C replaced by G.
Protein change: p.Ser920Cys; replaces serine 920 with cysteine.
Molecular consequence: missense variant.
Genome position (GRCh38, 1-based): chr5:80,813,687, C>G. VCF-style: chr5-80813687-C-G. GRCh37 (hg19) VCF-style: chr5-80109506-C-G.
Other names: short protein forms S920C.
Identifiers: ClinVar variation 3222274 (VCV003222274.1), dbSNP rs2546797399, ClinGen allele CA360274018.